The following is an entry in ClinVar:

ClinVar aggregate classification (germline): Uncertain significance (1 of 4 stars; one submission).

Conditions:
Peutz-Jeghers syndrome (PJS). Also called: POLYPOSIS, HAMARTOMATOUS INTESTINAL; POLYPS-AND-SPOTS SYNDROME; Peutz-Jeghers polyposis; Periorificial lentiginosis syndrome. Identifiers: Orphanet 2869, MedGen C0031269, MeSH D010580, MONDO:0008280, OMIM 175200.

Submission:

Labcorp Genetics (formerly Invitae), Labcorp
Classification: Uncertain significance for Peutz-Jeghers syndrome. Last evaluated: 2021-08-28. Review status: criteria provided, single submitter. Criteria: Invitae Variant Classification Sherloc (09022015). Collection method: clinical testing. Allele origin: germline.
Comment: This sequence change replaces threonine with serine at codon 363 of the STK11 protein (p.Thr363Ser). The threonine residue is highly conserved and there is a small physicochemical difference between threonine and serine. This variant is not present in population databases (ExAC no frequency). This variant has not been reported in the literature in individuals affected with STK11-related conditions. ClinVar contains an entry for this variant (Variation ID: 950083). Advanced modeling of protein sequence and biophysical properties (such as structural, functional, and spatial information, amino acid conservation, physicochemical variation, residue mobility, and thermodynamic stability) performed at Invitae indicates that this missense variant is not expected to disrupt STK11 protein function. Algorithms developed to predict the effect of sequence changes on RNA splicing suggest that this variant may create or strengthen a splice site. In summary, the available evidence is currently insufficient to determine the role of this variant in disease. Therefore, it has been classified as a Variant of Uncertain Significance.

NM_000455.5(STK11):c.1088C>G (p.Thr363Ser)

Genes: STK11 (serine/threonine kinase 11; plus strand), LOC130062899 (ATAC-STARR-seq lymphoblastoid active region 13597; plus strand). Cytogenetic location: 19p13.3.
Variant type: single nucleotide variant.
Coding change: c.1088C>G on transcript NM_000455.5 (MANE Select); coding-DNA position 1088, C replaced by G.
Protein change: p.Thr363Ser; replaces threonine 363 with serine.
Molecular consequence: missense variant.
Genome position (GRCh38, 1-based): chr19:1,223,152, C>G. VCF-style: chr19-1223152-C-G. GRCh37 (hg19) VCF-style: chr19-1223151-C-G.
Other names: short protein forms T363S.
Identifiers: ClinVar variation 950083 (VCV000950083.7), dbSNP rs587778695, ClinGen allele CA402951932.